The following is an entry in ClinVar:

ClinVar aggregate classification (germline): Likely benign (1 of 4 stars; one submission).

Allele frequency attached by ClinVar (database versions not stated): gnomAD exomes 0.00025; gnomAD 0.00047; TOPMed 0.00065; ExAC 0.00150; 1000 Genomes Project 30x 0.00203; 1000 Genomes Project 0.00220.
gnomAD v4.1: 547 of 1,550,596 alleles (0.035%); highest among the groups gnomAD compares: East Asian, 0.72%; 8 homozygotes.

Submission:

CeGaT Center for Human Genetics Tuebingen
Classification: Likely benign. Last evaluated: 2024-03-01. Review status: criteria provided, single submitter. Criteria: CeGaT Center For Human Genetics Tuebingen Variant Classification Criteria Version 2. Collection method: clinical testing. Allele origin: germline. Affected: yes. Observed: 1 variant allele.
Comment: VWA2: BP4, BS1

NM_001272046.2(VWA2):c.2204G>A (p.Arg735His)

Genes: AFAP1L2 (actin filament associated protein 1 like 2; minus strand), VWA2 (von Willebrand factor A domain containing 2; plus strand). Cytogenetic location: 10q25.3.
Variant type: single nucleotide variant.
Coding change: c.2204G>A on transcript NM_001272046.2 (MANE Select); coding-DNA position 2204, G replaced by A.
Protein change: p.Arg735His; replaces arginine 735 with histidine.
Molecular consequence: missense variant.
Genome position (GRCh38, 1-based): chr10:114,290,321, G>A. VCF-style: chr10-114290321-G-A. GRCh37 (hg19) VCF-style: chr10-116050080-G-A.
Other names: c.2204G>A, p.Arg735His (NM_001320804.1); short protein forms R735H.
Identifiers: ClinVar variation 3067187 (VCV003067187.21), dbSNP rs142603181, ClinGen allele CA5700906.